The following is an entry in ClinVar:

NM_201384.3(PLEC):c.12500C>T (p.Thr4167Met)

Gene: PLEC (plectin; minus strand). Cytogenetic location: 8q24.3.
Variant type: single nucleotide variant.
Coding change: c.12500C>T on transcript NM_201384.3 (MANE Select); coding-DNA position 12500, C replaced by T.
Protein change: p.Thr4167Met; replaces threonine 4167 with methionine.
Molecular consequence: missense variant.
Genome position (GRCh38, 1-based): chr8:143,917,321, G>A on the plus strand (C>T on the coding strand, the complement: PLEC is on the minus strand). VCF-style: chr8-143917321-G-A. GRCh37 (hg19) VCF-style: chr8-144991489-G-A.
Other names: c.12581C>T, p.Thr4194Met (NM_000445.5); c.12458C>T, p.Thr4153Met (NM_201378.4); c.12434C>T, p.Thr4145Met (NM_201379.3); c.12911C>T, p.Thr4304Met (NM_201380.4); c.12404C>T, p.Thr4135Met (NM_201381.3); c.12500C>T, p.Thr4167Met (NM_201382.4); c.12512C>T, p.Thr4171Met (NM_201383.3); short protein forms T4135M, T4171M, T4304M, T4145M, T4167M, T4153M, T4194M.
Identifiers: ClinVar variation 1484350 (VCV001484350.9), dbSNP rs782411778, ClinGen allele CA4924070.
Genomic context (GRCh38, chr8:143,917,321, plus strand): 5'-TCCGAGGAGGAGATGGTGATCTCCTCCCACTCGCACTCCTGCTCGGACAGCTCCAGGTAC[G>A]TCTGGTGGTCAATCAGGCCCTTGCGGTAGGCCTCGTACACTGACATCTCCTTGCCCGTCT-3'
Protein context (NP_958786.1, residues 4157-4177): AYRKGLIDHQ[Thr4167Met]YLELSEQECE

ClinVar aggregate classification (germline): Uncertain significance. Review status: criteria provided, multiple submitters, no conflicts (2 of 4 stars). 2 submissions from 2 submitters: Uncertain significance (2). Last evaluated 2024-01-06.

Conditions:
Epidermolysis bullosa simplex 5B, with muscular dystrophy (EBS5B). Also called: EPIDERMOLYSIS BULLOSA SIMPLEX AND LIMB-GIRDLE MUSCULAR DYSTROPHY; Epidermolysis bullosa simplex with muscular dystrophy. Identifiers: Orphanet 257, MedGen C2931072, MONDO:0009181, OMIM 226670.
Epidermolysis bullosa simplex 5C, with pyloric atresia (EBS5C). Also called: PLEC1-Related Epidermolysis Bullosa with Pyloric Atresia; PLEC-Related Epidermolysis Bullosa with Pyloric Atresia; Epidermolysis bullosa simplex with pyloric atresia. Identifiers: Orphanet 158684, MedGen C2677349, MONDO:0012807, OMIM 612138.
Epidermolysis bullosa simplex, Ogna type (EBS5A). Also called: Pidermolysis bullosa simplex 5A, Ogna type; EPIDERMOLYSIS BULLOSA SIMPLEX 5A, OGNA TYPE. Identifiers: Orphanet 79401, MedGen C0432317, MONDO:0007555, OMIM 131950.
Autosomal recessive limb-girdle muscular dystrophy type 2Q (LGMDR17). Also called: MUSCULAR DYSTROPHY, LIMB-GIRDLE, AUTOSOMAL RECESSIVE 17. Identifiers: Orphanet 254361, MedGen C3150989, MONDO:0013390, OMIM 613723.
Epidermolysis bullosa simplex with nail dystrophy (EBS5D). Identifiers: MedGen C4225309, MONDO:0014661, OMIM 616487.

Allele frequency attached by ClinVar (database versions not stated): gnomAD exomes below 0.00001 and 0.00001; ExAC 0.00002.
gnomAD v4.1: 13 of 1,609,738 alleles (0.00081%); highest among the groups gnomAD compares: East Asian, 0.0045%; no homozygotes.

Submissions (2):

Labcorp Genetics (formerly Invitae), Labcorp
Classification: Uncertain significance for Autosomal recessive limb-girdle muscular dystrophy type 2Q; Epidermolysis bullosa simplex, Ogna type; Epidermolysis bullosa simplex with nail dystrophy; Epidermolysis bullosa simplex 5C, with pyloric atresia; Epidermolysis bullosa simplex 5B, with muscular dystrophy. Last evaluated: 2024-01-06. Review status: criteria provided, single submitter. Criteria: Invitae Variant Classification Sherloc (09022015). Collection method: clinical testing. Allele origin: germline.
Comment: This sequence change replaces threonine, which is neutral and polar, with methionine, which is neutral and non-polar, at codon 4194 of the PLEC protein (p.Thr4194Met). This variant is present in population databases (rs782411778, gnomAD 0.006%). This variant has not been reported in the literature in individuals affected with PLEC-related conditions. ClinVar contains an entry for this variant (Variation ID: 1484350). Advanced modeling of protein sequence and biophysical properties (such as structural, functional, and spatial information, amino acid conservation, physicochemical variation, residue mobility, and thermodynamic stability) performed at Invitae indicates that this missense variant is expected to disrupt PLEC protein function with a positive predictive value of 80%. In summary, the available evidence is currently insufficient to determine the role of this variant in disease. Therefore, it has been classified as a Variant of Uncertain Significance.

Revvity Omics, Revvity
Classification: Uncertain significance. Last evaluated: 2022-05-26. Review status: criteria provided, single submitter. Criteria: ACMG Guidelines, 2015. Collection method: clinical testing. Allele origin: germline.